The following is an entry in ClinVar:

NM_006206.6(PDGFRA):c.2616C>T (p.Tyr872=)

Gene: PDGFRA (platelet derived growth factor receptor alpha; plus strand). Cytogenetic location: 4q12.
Variant type: single nucleotide variant.
Coding change: c.2616C>T on transcript NM_006206.6 (MANE Select); coding-DNA position 2616, C replaced by T.
Protein change: p.Tyr872=; no amino-acid change (tyrosine 872 retained).
Molecular consequence: synonymous variant.
Genome position (GRCh38, 1-based): chr4:54,287,483, C>T. VCF-style: chr4-54287483-C-T. GRCh37 (hg19) VCF-style: chr4-55153650-C-T.
Other names: c.2691C>T, p.Tyr897= (NM_001347828.2); c.2616C>T, p.Tyr872= (NM_001347829.2); c.2655C>T, p.Tyr885= (NM_001347830.2).
Identifiers: ClinVar variation 414524 (VCV000414524.13), dbSNP rs1060504258, ClinGen allele CA16611493.

ClinVar aggregate classification (germline): Benign/Likely benign. Review status: criteria provided, multiple submitters, no conflicts (2 of 4 stars). 3 submissions from 3 submitters: Benign (1); Likely benign (2). Last evaluated 2026-06-17.

Conditions:
Polyps, multiple and recurrent inflammatory fibroid, gastrointestinal. Identifiers: MedGen C5193005, MONDO:0008285, OMIM 175510.
Gastrointestinal stromal tumor. Also called: Gastrointestinal stroma tumor; Gastrointestinal stromal tumor, somatic. Identifiers: Orphanet 44890, MedGen C0238198, MeSH D046152, MONDO:0011719, OMIM 606764, HP:0100723.
Hereditary cancer-predisposing syndrome. Also called: Neoplastic Syndromes, Hereditary; Hereditary Cancer Syndrome; Hereditary neoplastic syndrome; Tumor predisposition. Identifiers: Orphanet 140162, MedGen C0027672, MeSH D009386, MONDO:0015356.

Submissions (3):

Myriad Genetics, Inc.
Classification: Benign for Polyps, multiple and recurrent inflammatory fibroid, gastrointestinal. Last evaluated: 2026-06-17. Review status: criteria provided, single submitter. Criteria: Myriad Autosomal Dominant, Autosomal Recessive and X-Linked Classification Criteria (2023). Collection method: clinical testing. Allele origin: unknown.
Comment: This variant is considered benign. This variant is a silent/synonymous amino acid change and it is not expected to impact splicing.

Labcorp Genetics (formerly Invitae), Labcorp
Classification: Likely benign for Gastrointestinal stromal tumor. Last evaluated: 2025-10-06. Review status: criteria provided, single submitter. Criteria: Invitae Variant Classification Sherloc (09022015). Collection method: clinical testing. Allele origin: germline.

Ambry Genetics
Classification: Likely benign for Hereditary cancer-predisposing syndrome. Last evaluated: 2022-07-05. Review status: criteria provided, single submitter. Criteria: Ambry Variant Classification Scheme 2023. Collection method: clinical testing. Allele origin: germline.